The following is an entry in ClinVar:

ClinVar aggregate classification (germline): Pathogenic (1 of 4 stars; one submission).

Conditions:
Early-infantile DEE. Also called: Early infantile epileptic encephalopathy with suppression bursts; Early infantile epileptic encephalopathy; Ohtahara syndrome. Identifiers: Orphanet 1934, MedGen C0393706, MONDO:0800491.

Submission:

Labcorp Genetics (formerly Invitae), Labcorp
Classification: Pathogenic for Early-infantile DEE. Last evaluated: 2022-10-25. Review status: criteria provided, single submitter. Criteria: Invitae Variant Classification Sherloc (09022015). Collection method: clinical testing. Allele origin: germline.
Comment: This variant is not present in population databases (gnomAD no frequency). This sequence change creates a premature translational stop signal (p.His297Serfs*18) in the SPTAN1 gene. It is expected to result in an absent or disrupted protein product. Loss-of-function variants in SPTAN1 are known to be pathogenic (PMID: 31332438, 33206935). This variant has not been reported in the literature in individuals affected with SPTAN1-related conditions. ClinVar contains an entry for this variant (Variation ID: 1400602). For these reasons, this variant has been classified as Pathogenic.

Literature cited by the submitters: PubMed 31332438; PubMed 33206935.

NM_001130438.3(SPTAN1):c.889_896del (p.His297fs)

Gene: SPTAN1 (spectrin alpha, non-erythrocytic 1; plus strand). Cytogenetic location: 9q34.11.
Variant type: Deletion.
Coding change: c.889_896del on transcript NM_001130438.3 (MANE Select); coding-DNA positions 889 to 896, 8 bases deleted (CACGAGGG; older notation c.889_896delCACGAGGG).
Protein change: p.His297fs; shifts the reading frame from histidine 297.
Molecular consequence: frameshift variant.
Genome position (GRCh38, 1-based): chr9:128,577,232-128,577,239, CACGAGGG deleted; deleting any 8 consecutive bases within chr9:128,577,231-128,577,239 gives the same sequence; the c. name uses the placement nearest the transcript's 3' end. VCF-style (leftmost placement, unchanged base first): chr9-128577230-AGCACGAGG-A. GRCh37 (hg19) VCF-style: chr9-131339509-AGCACGAGG-A.
Other names: c.889_896del, p.His297fs (NM_001195532.2, NM_001363759.2, NM_001363765.2 and 5 more transcripts); c.925_932del, p.His309fs (NM_001375312.2, NM_001375318.1); short protein forms H297fs, H309fs.
Identifiers: ClinVar variation 1400602 (VCV001400602.7), dbSNP rs2131012464, ClinGen allele CA2573143896.
Genomic context (GRCh38, chr9:128,577,230, plus strand): 5'-AGTTAATGGCCTCTGATGATTTTGGCCGAGACCTGGCAAGTGTTCAGGCTCTGCTTCGGA[AGCACGAGG>A]GTCTGGAGAGAGATCTTGCTGCTCTAGAAGACAAGGTGGGTTTTACAAGCAGCTGATTCT-3'